The following is an entry in ClinVar:

ClinVar aggregate classification (germline): Conflicting classifications of pathogenicity. Review status: criteria provided, conflicting classifications (1 of 4 stars). 5 submissions from 5 submitters: Uncertain significance (4); Likely benign (1). Last evaluated 2026-01-26.

Conditions:
Cardiovascular phenotype. Identifiers: MedGen CN230736.

Allele frequency attached by ClinVar (database versions not stated): TOPMed 0.00003; gnomAD 0.00005; gnomAD exomes 0.00005 and 0.00012; ExAC 0.00012.
gnomAD v4.1: 179 of 1,549,756 alleles (0.012%); highest among the groups gnomAD compares: Non-Finnish European, 0.014%; no homozygotes.

Submissions (5):

Women's Health and Genetics/Laboratory Corporation of America, LabCorp
Classification: Uncertain significance. Last evaluated: 2026-01-26. Review status: criteria provided, single submitter. Criteria: LabCorp Variant Classification Summary - May 2015. Collection method: clinical testing. Allele origin: germline.
Comment: Variant summary: ZNF469 c.3890G>A (p.Gly1297Asp) results in a non-conservative amino acid change in the encoded protein sequence. Algorithms developed to predict the effect of missense changes on protein structure and function are either unavailable or do not agree on the potential impact of this missense change. The variant allele was found at a frequency of 5.3e-05 in 150818 control chromosomes. The available data on variant occurrences in the general population are insufficient to allow any conclusion about variant significance. To our knowledge, no occurrence of c.3890G>A in individuals affected with ZNF469-related conditions and no experimental evidence demonstrating its impact on protein function have been reported. ClinVar contains an entry for this variant (Variation ID: 1388145). Based on the evidence outlined above, the variant was classified as uncertain significance.

Mayo Clinic Laboratories, Mayo Clinic
Classification: Likely benign. Last evaluated: 2025-01-08. Review status: criteria provided, single submitter. Criteria: ACMG Guidelines, 2015. Collection method: clinical testing. Allele origin: germline. Observed: 2 variant alleles.
Comment: BS1_supporting, BP4_strong

Ambry Genetics
Classification: Uncertain significance for Cardiovascular phenotype. Last evaluated: 2024-12-29. Review status: criteria provided, single submitter. Criteria: Ambry Variant Classification Scheme 2023. Collection method: clinical testing. Allele origin: germline.
Comment: The p.G1269D variant (also known as c.3806G>A), located in coding exon 2 of the ZNF469 gene, results from a G to A substitution at nucleotide position 3806. The glycine at codon 1269 is replaced by aspartic acid, an amino acid with similar properties. This amino acid position is conserved. In addition, this alteration is predicted to be tolerated by in silico analysis. Since supporting evidence is limited at this time, the clinical significance of this alteration remains unclear.

Labcorp Genetics (formerly Invitae), Labcorp
Classification: Uncertain significance. Last evaluated: 2024-11-11. Review status: criteria provided, single submitter. Criteria: Invitae Variant Classification Sherloc (09022015). Collection method: clinical testing. Allele origin: germline.
Comment: This sequence change replaces glycine, which is neutral and non-polar, with aspartic acid, which is acidic and polar, at codon 1269 of the ZNF469 protein (p.Gly1269Asp). This variant is present in population databases (rs750571274, gnomAD 0.01%). This variant has not been reported in the literature in individuals affected with ZNF469-related conditions. ClinVar contains an entry for this variant (Variation ID: 1388145). An algorithm developed to predict the effect of missense changes on protein structure and function outputs the following: PolyPhen-2: "Benign". The aspartic acid amino acid residue is found in multiple mammalian species, which suggests that this missense change does not adversely affect protein function. In summary, the available evidence is currently insufficient to determine the role of this variant in disease. Therefore, it has been classified as a Variant of Uncertain Significance.

GeneDx
Classification: Uncertain significance. Last evaluated: 2024-05-08. Review status: criteria provided, single submitter. Criteria: GeneDx Variant Classification Process June 2021. Collection method: clinical testing. Allele origin: germline. Affected: yes.
Comment: Not observed at significant frequency in large population cohorts (gnomAD); In silico analysis indicates that this missense variant does not alter protein structure/function; Has not been previously published as pathogenic or benign to our knowledge

NM_001367624.2(ZNF469):c.3890G>A (p.Gly1297Asp)

Gene: ZNF469 (zinc finger protein 469; plus strand). Cytogenetic location: 16q24.2.
Variant type: single nucleotide variant.
Coding change: c.3890G>A on transcript NM_001367624.2 (MANE Select); coding-DNA position 3890, G replaced by A.
Protein change: p.Gly1297Asp; replaces glycine 1297 with aspartic acid.
Molecular consequence: missense variant.
Genome position (GRCh38, 1-based): chr16:88,431,360, G>A. VCF-style: chr16-88431360-G-A. GRCh37 (hg19) VCF-style: chr16-88497768-G-A.
Other names: NM_001127464.1:c.3806G>A; p.Gly1297Asp; short protein forms G1297D.
Identifiers: ClinVar variation 1388145 (VCV001388145.13), dbSNP rs750571274, ClinGen allele CA8224896.